The following is an entry in ClinVar:

ClinVar aggregate classification (germline): Uncertain significance (1 of 4 stars; one submission).

Allele frequency attached by ClinVar (database versions not stated): gnomAD exomes below 0.00001; TOPMed 0.00001.
gnomAD v4.1: 1 of 1,611,500 alleles (0.000062%); highest among the groups gnomAD compares: Admixed American, 0.0017%; no homozygotes.

Submission:

Labcorp Genetics (formerly Invitae), Labcorp
Classification: Uncertain significance. Last evaluated: 2021-12-19. Review status: criteria provided, single submitter. Criteria: Invitae Variant Classification Sherloc (09022015). Collection method: clinical testing. Allele origin: germline.
Comment: In summary, the available evidence is currently insufficient to determine the role of this variant in disease. Therefore, it has been classified as a Variant of Uncertain Significance. Algorithms developed to predict the effect of missense changes on protein structure and function output the following: SIFT: "Tolerated"; PolyPhen-2: "Possibly Damaging"; Align-GVGD: "Class C0". The isoleucine amino acid residue is found in multiple mammalian species, which suggests that this missense change does not adversely affect protein function. This variant has not been reported in the literature in individuals affected with EXPH5-related conditions. This variant is present in population databases (no rsID available, gnomAD 0.003%). This sequence change replaces methionine, which is neutral and non-polar, with isoleucine, which is neutral and non-polar, at codon 297 of the EXPH5 protein (p.Met297Ile).

NM_015065.3(EXPH5):c.891G>A (p.Met297Ile)

Gene: EXPH5 (exophilin 5; minus strand). Cytogenetic location: 11q22.3.
Variant type: single nucleotide variant.
Coding change: c.891G>A on transcript NM_015065.3 (MANE Select); coding-DNA position 891, G replaced by A.
Protein change: p.Met297Ile; replaces methionine 297 with isoleucine.
Molecular consequence: missense variant.
Genome position (GRCh38, 1-based): chr11:108,514,616, C>T on the plus strand (G>A on the coding strand, the complement: EXPH5 is on the minus strand). VCF-style: chr11-108514616-C-T. GRCh37 (hg19) VCF-style: chr11-108385343-C-T.
Other names: c.663G>A, p.Met221Ile (NM_001144763.2); c.423G>A, p.Met141Ile (NM_001144764.2); c.327G>A, p.Met109Ile (NM_001144765.2); c.870G>A, p.Met290Ile (NM_001308019.2); short protein forms M141I, M290I, M109I, M297I, M221I.
Identifiers: ClinVar variation 2182217 (VCV002182217.4), dbSNP rs1230361172, ClinGen allele CA382558036.